The following is an entry in ClinVar:

ClinVar aggregate classification (germline): Uncertain significance (1 of 4 stars; one submission).

gnomAD v4.1: 1 of 1,296,078 alleles (0.000077%); highest among the groups gnomAD compares: South Asian, 0.0028%; no homozygotes.

Submission:

Ambry Genetics
Classification: Uncertain significance. Last evaluated: 2026-02-24. Review status: criteria provided, single submitter. Criteria: Ambry Variant Classification Scheme 2023. Collection method: clinical testing. Allele origin: germline.
Comment: The p.D119Y variant (also known as c.355G>T), located in coding exon 1 of the EGLN1 gene, results from a G to T substitution at nucleotide position 355. The aspartic acid at codon 119 is replaced by tyrosine, an amino acid with highly dissimilar properties. This amino acid position is conserved. In addition, this alteration is predicted to be tolerated by in silico analysis. Based on the available evidence, the clinical significance of this variant remains unclear.

NM_022051.3(EGLN1):c.355G>T (p.Asp119Tyr)

Gene: EGLN1 (egl-9 family hypoxia inducible factor 1; minus strand). Cytogenetic location: 1q42.2.
Variant type: single nucleotide variant.
Coding change: c.355G>T on transcript NM_022051.3 (MANE Select); coding-DNA position 355, G replaced by T.
Protein change: p.Asp119Tyr; replaces aspartic acid 119 with tyrosine.
Molecular consequence: missense variant.
Genome position (GRCh38, 1-based): chr1:231,421,534, C>A on the plus strand (G>T on the coding strand, the complement: EGLN1 is on the minus strand). VCF-style: chr1-231421534-C-A. GRCh37 (hg19) VCF-style: chr1-231557280-C-A.
Other names: c.355G>T, p.Asp119Tyr (NM_001377260.1, NM_001377261.1); short protein forms D119Y.
Identifiers: ClinVar variation 4826535 (VCV004826535.1).